The following is an entry in ClinVar:

NM_021961.6(TEAD1):c.899A>G (p.Asp300Gly)

Gene: TEAD1 (TEA domain transcription factor 1; plus strand). Cytogenetic location: 11p15.3.
Variant type: single nucleotide variant.
Coding change: c.899A>G on transcript NM_021961.6 (MANE Select); coding-DNA position 899, A replaced by G.
Protein change: p.Asp300Gly; replaces aspartic acid 300 with glycine.
Molecular consequence: missense variant.
Genome position (GRCh38, 1-based): chr11:12,924,937, A>G. VCF-style: chr11-12924937-A-G. GRCh37 (hg19) VCF-style: chr11-12946484-A-G.
Other names: short protein forms D300G.
Identifiers: ClinVar variation 3653866 (VCV003653866.2).

ClinVar aggregate classification (germline): Uncertain significance (1 of 4 stars; one submission).

Submission:

Labcorp Genetics (formerly Invitae), Labcorp
Classification: Uncertain significance. Last evaluated: 2024-05-27. Review status: criteria provided, single submitter. Criteria: Invitae Variant Classification Sherloc (09022015). Collection method: clinical testing. Allele origin: germline.
Comment: This sequence change replaces aspartic acid, which is acidic and polar, with glycine, which is neutral and non-polar, at codon 300 of the TEAD1 protein (p.Asp300Gly). This variant is not present in population databases (gnomAD no frequency). This variant has not been reported in the literature in individuals affected with TEAD1-related conditions. Advanced modeling of protein sequence and biophysical properties (such as structural, functional, and spatial information, amino acid conservation, physicochemical variation, residue mobility, and thermodynamic stability) performed at Invitae indicates that this missense variant is not expected to disrupt TEAD1 protein function with a negative predictive value of 80%. In summary, the available evidence is currently insufficient to determine the role of this variant in disease. Therefore, it has been classified as a Variant of Uncertain Significance.